The following is an entry in ClinVar:

NM_002474.3(MYH11):c.3039A>G (p.Thr1013=)

Gene: MYH11 (myosin heavy chain 11; minus strand). Cytogenetic location: 16p13.11.
Variant type: single nucleotide variant.
Coding change: c.3039A>G on transcript NM_002474.3 (MANE Select); coding-DNA position 3039, A replaced by G.
Protein change: p.Thr1013=; no amino-acid change (threonine 1013 retained).
Molecular consequence: synonymous variant.
Genome position (GRCh38, 1-based): chr16:15,738,647, T>C on the plus strand (A>G on the coding strand, the complement: MYH11 is on the minus strand). VCF-style: chr16-15738647-T-C. GRCh37 (hg19) VCF-style: chr16-15832504-T-C.
Other names: c.3060A>G, p.Thr1020= (NM_001040113.2, NM_001040114.2); c.3039A>G, p.Thr1013= (NM_022844.3).
Identifiers: ClinVar variation 519920 (VCV000519920.54), dbSNP rs550108687, ClinGen allele CA7922103.

ClinVar aggregate classification (germline): Benign/Likely benign. Review status: criteria provided, multiple submitters, no conflicts (2 of 4 stars). 8 submissions from 8 submitters: Benign (1); Likely benign (7). Last evaluated 2025-12-23.

Conditions:
Aortic aneurysm, familial thoracic 4 (AAT4). Also called: AORTIC ANEURYSM/AORTIC DISSECTION AND PATENT DUCTUS ARTERIOSUS. Identifiers: MedGen C1851504, MONDO:0007568, OMIM 132900.
Familial thoracic aortic aneurysm and aortic dissection (TAAD). Also called: Thoracic aortic aneurysms and dissections. Identifiers: Orphanet 91387, MedGen C4707243, MONDO:0019625.

Allele frequency attached by ClinVar (database versions not stated): ExAC 0.00005; TOPMed 0.00006; gnomAD 0.00007 and 0.00008; gnomAD exomes 0.00007 and 0.00015.
gnomAD v4.1: 223 of 1,613,908 alleles (0.014%); highest among the groups gnomAD compares: Non-Finnish European, 0.018%; no homozygotes.

Submissions (8):

Labcorp Genetics (formerly Invitae), Labcorp
Classification: Likely benign for Aortic aneurysm, familial thoracic 4. Last evaluated: 2025-12-23. Review status: criteria provided, single submitter. Criteria: Invitae Variant Classification Sherloc (09022015). Collection method: clinical testing. Allele origin: germline.

Women's Health and Genetics/Laboratory Corporation of America, LabCorp
Classification: Benign. Last evaluated: 2025-12-15. Review status: criteria provided, single submitter. Criteria: LabCorp Variant Classification Summary - May 2015. Collection method: clinical testing. Allele origin: germline.

ARUP Laboratories, Molecular Genetics and Genomics, ARUP Laboratories
Classification: Likely benign. Last evaluated: 2025-02-27. Review status: criteria provided, single submitter. Criteria: ARUP Molecular Germline Variant Investigation Process 2024. Collection method: clinical testing. Allele origin: germline.

All of Us Research Program, National Institutes of Health
Classification: Likely benign for Familial thoracic aortic aneurysm and aortic dissection. Last evaluated: 2024-02-05. Review status: criteria provided, single submitter. Criteria: ACMG Guidelines, 2015. Collection method: clinical testing. Allele origin: germline. Inheritance: Autosomal dominant inheritance. Observed: 19 variant alleles, 19 heterozygotes.
Comment: This study involves interpretation of variants in research participants for the purpose of population health screening. Participant phenotype was not available at the time of variant classification. Additional details can be found in publication PMID: 35346344, PMCID: PMC8962531

Blueprint Genetics
Classification: Likely benign. Last evaluated: 2023-04-05. Review status: criteria provided, single submitter. Criteria: ACMG Guidelines, 2015. Collection method: clinical testing. Allele origin: germline.

CeGaT Center for Human Genetics Tuebingen
Classification: Likely benign. Last evaluated: 2022-11-01. Review status: criteria provided, single submitter. Criteria: CeGaT Center For Human Genetics Tuebingen Variant Classification Criteria Version 2. Collection method: clinical testing. Allele origin: germline. Affected: yes. Observed: 2 variant alleles.
Comment: MYH11: BP4, BP7

Color Diagnostics, LLC DBA Color Health
Classification: Likely benign for Familial thoracic aortic aneurysm and aortic dissection. Last evaluated: 2018-12-13. Review status: criteria provided, single submitter. Criteria: ACMG Guidelines, 2015. Collection method: clinical testing. Allele origin: germline.

Ambry Genetics
Classification: Likely benign for Familial thoracic aortic aneurysm and aortic dissection. Last evaluated: 2016-06-29. Review status: criteria provided, single submitter. Criteria: Ambry Variant Classification Scheme 2023. Collection method: clinical testing. Allele origin: germline.